The following is an entry in ClinVar:

NM_001906.6(CTRB1):c.438C>T (p.Asp146=)

Gene: CTRB1 (chymotrypsinogen B1; plus strand). Cytogenetic location: 16q23.1.
Variant type: single nucleotide variant.
Coding change: c.438C>T on transcript NM_001906.6 (MANE Select); coding-DNA position 438, C replaced by T.
Protein change: p.Asp146=; no amino-acid change (aspartic acid 146 retained).
Molecular consequence: synonymous variant.
Genome position (GRCh38, 1-based): chr16:75,223,570, C>T. VCF-style: chr16-75223570-C-T. GRCh37 (hg19) VCF-style: chr16-75257468-C-T.
Other names: c.438C>T, p.Asp146= (NM_001329190.2).
Identifiers: ClinVar variation 4872848 (VCV004872848.2).

ClinVar aggregate classification (germline): Likely benign (1 of 4 stars; one submission).

Submission:

CeGaT Center for Human Genetics Tuebingen
Classification: Likely benign. Last evaluated: 2026-05-01. Review status: criteria provided, single submitter. Criteria: CeGaT Center For Human Genetics Tuebingen Variant Classification Criteria Version 2. Collection method: clinical testing. Allele origin: germline. Affected: yes. Observed: 1 variant allele.
Comment: CTRB1: BP4, BP7